The following is an entry in ClinVar:

NM_003839.4(TNFRSF11A):c.109G>A (p.Glu37Lys)

Gene: TNFRSF11A (TNF receptor superfamily member 11a; plus strand). Cytogenetic location: 18q21.33.
Variant type: single nucleotide variant.
Coding change: c.109G>A on transcript NM_003839.4 (MANE Select); coding-DNA position 109, G replaced by A.
Protein change: p.Glu37Lys; replaces glutamic acid 37 with lysine.
Molecular consequence: missense variant.
Genome position (GRCh38, 1-based): chr18:62,348,201, G>A. VCF-style: chr18-62348201-G-A. GRCh37 (hg19) VCF-style: chr18-60015434-G-A.
Other names: c.109G>A, p.Glu37Lys (NM_001270949.2, NM_001270950.2, NM_001270951.2 and 1 more transcripts); short protein forms E37K.
Identifiers: ClinVar variation 1367544 (VCV001367544.6), dbSNP rs780044422, ClinGen allele CA8983646.

ClinVar aggregate classification (germline): Uncertain significance (1 of 4 stars; one submission).

Allele frequency attached by ClinVar (database versions not stated): ExAC 0.00002; gnomAD 0.00002; gnomAD exomes 0.00002 and 0.00003; TOPMed 0.00003.

Submission:

Labcorp Genetics (formerly Invitae), Labcorp
Classification: Uncertain significance. Last evaluated: 2025-10-29. Review status: criteria provided, single submitter. Criteria: Invitae Variant Classification Sherloc (09022015). Collection method: clinical testing. Allele origin: germline.
Comment: This sequence change replaces glutamic acid, which is acidic and polar, with lysine, which is basic and polar, at codon 37 of the TNFRSF11A protein (p.Glu37Lys). This variant is present in population databases (rs780044422, gnomAD 0.02%). This variant has not been reported in the literature in individuals affected with TNFRSF11A-related conditions. ClinVar contains an entry for this variant (Variation ID: 1367544). An algorithm developed to predict the effect of missense changes on protein structure and function outputs the following: PolyPhen-2: "Benign". The lysine amino acid residue is found in multiple mammalian species, which suggests that this missense change does not adversely affect protein function. In summary, the available evidence is currently insufficient to determine the role of this variant in disease. Therefore, it has been classified as a Variant of Uncertain Significance.